The following is an entry in ClinVar:

NM_019098.5(CNGB3):c.686A>G (p.Tyr229Cys)

Gene: CNGB3 (cyclic nucleotide gated channel subunit beta 3; minus strand). Cytogenetic location: 8q21.3.
Variant type: single nucleotide variant.
Coding change: c.686A>G on transcript NM_019098.5 (MANE Select); coding-DNA position 686, A replaced by G.
Protein change: p.Tyr229Cys; replaces tyrosine 229 with cysteine.
Molecular consequence: missense variant.
Genome position (GRCh38, 1-based): chr8:86,667,091, T>C on the plus strand (A>G on the coding strand, the complement: CNGB3 is on the minus strand). VCF-style: chr8-86667091-T-C. GRCh37 (hg19) VCF-style: chr8-87679319-T-C.
Other names: c.686A>G (NM_019098.4); short protein forms Y229C.
Identifiers: ClinVar variation 2047000 (VCV002047000.3), dbSNP rs777847593, ClinGen allele CA4800304.

ClinVar aggregate classification (germline): Uncertain significance. Review status: criteria provided, multiple submitters, no conflicts (2 of 4 stars). 3 submissions from 3 submitters: Uncertain significance (3). Last evaluated 2025-05-14.

Conditions:
Inborn genetic diseases. Identifiers: MedGen C0950123, MeSH D030342.

Allele frequency attached by ClinVar (database versions not stated): ExAC 0.00012; gnomAD 0.00003; gnomAD exomes 0.00007; TOPMed 0.00007.

Submissions (3):

Ambry Genetics
Classification: Uncertain significance for Inborn genetic diseases. Last evaluated: 2025-05-14. Review status: criteria provided, single submitter. Criteria: Ambry Variant Classification Scheme 2023. Collection method: clinical testing. Allele origin: germline.

GeneDx
Classification: Uncertain significance. Last evaluated: 2025-01-29. Review status: criteria provided, single submitter. Criteria: GeneDx Variant Classification Process June 2021. Collection method: clinical testing. Allele origin: germline. Affected: yes.
Comment: In silico analysis supports that this missense variant has a deleterious effect on protein structure/function; Has not been previously published as pathogenic or benign to our knowledge

Labcorp Genetics (formerly Invitae), Labcorp
Classification: Uncertain significance. Last evaluated: 2022-05-25. Review status: criteria provided, single submitter. Criteria: Invitae Variant Classification Sherloc (09022015). Collection method: clinical testing. Allele origin: germline.
Comment: This sequence change replaces tyrosine, which is neutral and polar, with cysteine, which is neutral and slightly polar, at codon 229 of the CNGB3 protein (p.Tyr229Cys). This variant is present in population databases (rs777847593, gnomAD 0.06%). This variant has not been reported in the literature in individuals affected with CNGB3-related conditions. Algorithms developed to predict the effect of missense changes on protein structure and function (SIFT, PolyPhen-2, Align-GVGD) all suggest that this variant is likely to be disruptive. Algorithms developed to predict the effect of sequence changes on RNA splicing suggest that this variant may create or strengthen a splice site. In summary, the available evidence is currently insufficient to determine the role of this variant in disease. Therefore, it has been classified as a Variant of Uncertain Significance.